The following is an entry in ClinVar:

NM_002432.3(MNDA):c.388A>G (p.Ile130Val)

Gene: MNDA (myeloid cell nuclear differentiation antigen; plus strand). Cytogenetic location: 1q23.1.
Variant type: single nucleotide variant.
Coding change: c.388A>G on transcript NM_002432.3 (MANE Select); coding-DNA position 388, A replaced by G.
Protein change: p.Ile130Val; replaces isoleucine 130 with valine.
Molecular consequence: missense variant.
Genome position (GRCh38, 1-based): chr1:158,843,401, A>G. VCF-style: chr1-158843401-A-G. GRCh37 (hg19) VCF-style: chr1-158813191-A-G.
Other names: short protein forms I130V.
Identifiers: ClinVar variation 1735867 (VCV001735867.3), dbSNP rs1659070153, ClinGen allele CA343038845.

ClinVar aggregate classification (germline): Uncertain significance (1 of 4 stars; one submission).

Allele frequency attached by ClinVar (database versions not stated): gnomAD exomes below 0.00001.
gnomAD v4.1: 3 of 1,609,220 alleles (0.00019%); highest among the groups gnomAD compares: Non-Finnish European, 0.00025%; no homozygotes.

Submission:

Ambry Genetics
Classification: Uncertain significance. Last evaluated: 2024-06-15. Review status: criteria provided, single submitter. Criteria: Ambry Variant Classification Scheme 2023. Collection method: clinical testing. Allele origin: germline.
Comment: The p.I130V variant (also known as c.388A>G), located in coding exon 2 of the MNDA gene, results from an A to G substitution at nucleotide position 388. The isoleucine at codon 130 is replaced by valine, an amino acid with highly similar properties. This amino acid position is conserved. In addition, this alteration is predicted to be tolerated by in silico analysis. Since supporting evidence is limited at this time, the clinical significance of this alteration remains unclear.